The following is an entry in ClinVar:

NM_001171020.2(PWWP3B):c.1926A>G (p.Pro642=)

Gene: PWWP3B (PWWP domain containing 3B; plus strand). Cytogenetic location: Xq22.3.
Variant type: single nucleotide variant.
Coding change: c.1926A>G on transcript NM_001171020.2 (MANE Select); coding-DNA position 1926, A replaced by G.
Protein change: p.Pro642=; no amino-acid change (proline 642 retained).
Molecular consequence: synonymous variant.
Genome position (GRCh38, 1-based): chrX:106,207,358, A>G. VCF-style: chrX-106207358-A-G. GRCh37 (hg19) VCF-style: chrX-105451351-A-G.
Other names: c.1926A>G, p.Pro642= (NM_152423.5).
Identifiers: ClinVar variation 2661131 (VCV002661131.24), dbSNP rs2520678860, ClinGen allele CA518104739.

ClinVar aggregate classification (germline): Likely benign (1 of 4 stars; one submission).

Submission:

CeGaT Center for Human Genetics Tuebingen
Classification: Likely benign. Last evaluated: 2022-09-01. Review status: criteria provided, single submitter. Criteria: CeGaT Center For Human Genetics Tuebingen Variant Classification Criteria Version 2. Collection method: clinical testing. Allele origin: germline. Affected: yes. Observed: 1 variant allele.
Comment: PWWP3B: PM2:Supporting, BP4, BP7